The following is an entry in ClinVar:

NM_007194.4(CHEK2):c.1238_1246delinsAGGAG (p.Leu413_Ile416delinsTer)

Gene: CHEK2 (checkpoint kinase 2; minus strand). Cytogenetic location: 22q12.1.
Variant type: Indel.
Coding change: c.1238_1246delinsAGGAG on transcript NM_007194.4 (MANE Select); coding-DNA positions 1238 to 1246, TAGGAGTTA replaced by AGGAG.
Protein change: p.Leu413_Ile416delinsTer.
Molecular consequence: nonsense. On other transcripts: frameshift variant (4).
Genome position (GRCh38, 1-based): chr22:28,695,723-28,695,731, TAACTCCTA replaced by CTCCT on the plus strand (TAGGAGTTA replaced by AGGAG on the coding strand, the reverse complement: CHEK2 is on the minus strand). VCF-style: chr22-28695723-TAACTCCTA-CTCCT. GRCh37 (hg19) VCF-style: chr22-29091711-TAACTCCTA-CTCCT.
Other names: c.1367_1375delTAGGAGTTAinsAGGAG, p.Leu456Terfs (NM_001005735.3); c.575_583delTAGGAGTTAinsAGGAG, p.Leu192Terfs (NM_001257387.3); c.1037_1045delTAGGAGTTAinsAGGAG, p.Leu346Terfs (NM_001349956.3); c.1151_1159delTAGGAGTTAinsAGGAG, p.Leu384Terfs (NM_145862.3).
Identifiers: ClinVar variation 479553 (VCV000479553.15), dbSNP rs1555913645, ClinGen allele CA658656826.

ClinVar aggregate classification (germline): Pathogenic/Likely pathogenic. Review status: criteria provided, multiple submitters, no conflicts (2 of 4 stars). 6 submissions from 6 submitters: Pathogenic (4); Likely pathogenic (2). Last evaluated 2025-01-28.

Conditions:
Hereditary cancer-predisposing syndrome. Also called: Hereditary Cancer Syndrome; Neoplastic Syndromes, Hereditary; Tumor predisposition; Hereditary neoplastic syndrome. Identifiers: Orphanet 140162, MedGen C0027672, MeSH D009386, MONDO:0015356.
CHEK2-related cancer predisposition (TPDS4). Also called: TUMOR PREDISPOSITION SYNDROME 4; CANCER PREDISPOSITION SYNDROME, CHEK2-RELATED; CHEK2-related cancer susceptibility. Identifiers: Orphanet 524, MedGen C5882668, MONDO:0700271, OMIM 609265.
Familial cancer of breast. Also called: BREAST CANCER, FAMILIAL; Hereditary breast cancer; hereditary breast carcinoma. Identifiers: Orphanet 227535, MedGen C0346153, MONDO:0016419, OMIM 114480. Disease mechanism: loss of function.
Hereditary breast ovarian cancer syndrome. Also called: Hereditary breast and ovarian cancer syndrome; Hereditary breast and ovarian cancer; Hereditary breast and ovarian cancer syndrome (HBOC); Breast and ovarian cancer; Hereditary breast and/or ovarian cancer syndrome; BRCA1- and BRCA2-Associated Hereditary Breast and Ovarian Cancer. Identifiers: Orphanet 145, MedGen C0677776, MeSH D061325, MONDO:0003582. Disease mechanism: loss of function.

Submissions (6):

Institute for Genomic Medicine (IGM) Clinical Laboratory, Nationwide Children's Hospital
Classification: Likely pathogenic for CHEK2-related cancer predisposition. Last evaluated: 2025-01-28. Review status: criteria provided, single submitter. Criteria: ACMG Guidelines, 2015. Collection method: clinical testing. Allele origin: germline.
Comment: This variant is predicted to result in loss of function through nonsense-mediated decay of the encoded transcript or premature truncation of the encoded protein in a gene in which loss of function is a known mechanism of disease (ACMG/AMP: PVS1). This variant is absent from or present at an exceedingly low frequency in gnomAD, a large-scale control population database (ACMG/AMP: PM2).

Color Diagnostics, LLC DBA Color Health
Classification: Pathogenic for Hereditary cancer-predisposing syndrome. Last evaluated: 2024-11-17. Review status: criteria provided, single submitter. Criteria: ACMG Guidelines, 2015. Collection method: clinical testing. Allele origin: germline.
Comment: This variant creates a premature termination codon in exon 11 of the CHEK2 gene. The variant protein is also known as p.Leu413_Ile416delinsTer. This variant is expected to result in an absent or non-functional protein product. Splice site prediction tools suggest that this variant may not impact RNA splicing. To our knowledge, functional studies have not been reported for this variant. This variant has not been reported in individuals affected with hereditary cancer in the literature. This variant has not been identified in the general population by the Genome Aggregation Database (gnomAD). Loss of CHEK2 function is a known mechanism of disease. Based on the available evidence, this variant is classified as Pathogenic.

Baylor Genetics
Classification: Pathogenic for Familial cancer of breast. Last evaluated: 2023-10-16. Review status: criteria provided, single submitter. Criteria: ACMG Guidelines, 2015. Collection method: clinical testing. Allele origin: unknown.

Women's Health and Genetics/Laboratory Corporation of America, LabCorp
Classification: Likely pathogenic for Hereditary breast ovarian cancer syndrome. Last evaluated: 2023-04-24. Review status: criteria provided, single submitter. Criteria: LabCorp Variant Classification Summary - May 2015. Collection method: clinical testing. Allele origin: germline.
Comment: Variant summary: CHEK2 c.1238_1246delinsAGGAG (p.Leu413X) results in a premature termination codon, predicted to cause a truncation of the encoded protein or absence of the protein due to nonsense mediated decay, which are commonly known mechanisms for disease. Two missense variants resulting in the same termination codon are classified as pathogenic/likely pathogenic in ClinVar and have been observed in individuals with cancer (HGMD). Variants downstream of this position have been classified as pathogenic by our laboratory. The variant was absent in 250208 control chromosomes (gnomAD). To our knowledge, no occurrence of c.1238_1246delinsAGGAG in individuals affected with Hereditary Breast And Ovarian Cancer Syndrome and no experimental evidence demonstrating its impact on protein function have been reported. Two submitters have provided clinical-significance assessments for this variant to ClinVar after 2014, and classified the variant as pathogenic. Based on the evidence outlined above, the variant was classified as likely pathogenic.

Labcorp Genetics (formerly Invitae), Labcorp
Classification: Pathogenic for Familial cancer of breast. Last evaluated: 2021-09-09. Review status: criteria provided, single submitter. Criteria: Invitae Variant Classification Sherloc (09022015). Collection method: clinical testing. Allele origin: germline.
Comment: The frequency data for this variant in the population databases is considered unreliable, as metrics indicate poor data quality at this position in the ExAC database. This premature translational stop signal has been observed in individual(s) with breast cancer (PMID: 31206626). ClinVar contains an entry for this variant (Variation ID: 479553). For these reasons, this variant has been classified as Pathogenic. This sequence change creates a premature translational stop signal (p.Leu413*) in the CHEK2 gene. It is expected to result in an absent or disrupted protein product. Loss-of-function variants in CHEK2 are known to be pathogenic (PMID: 21876083, 24713400).

Ambry Genetics
Classification: Pathogenic for Hereditary cancer-predisposing syndrome. Last evaluated: 2017-12-22. Review status: criteria provided, single submitter. Criteria: Ambry Autosomal Dominant and X-Linked criteria (3/2017). Collection method: clinical testing. Allele origin: germline. Observed: 1 variant allele.
Comment: The c.1238_1246delTAGGAGTTAinsAGGAG pathogenic mutation (also known as p.L413*), located in coding exon 10 of the CHEK2 gene, results from the deletion of 9 nucleotides and insertion of 5 nucleotides at positions 1238 to 1246. This changes the amino acid from a leucine to a stop codon within coding exon 10. This alteration is expected to result in loss of function by premature protein truncation or nonsense-mediated mRNA decay. As such, this alteration is interpreted as a disease-causing mutation.

Literature cited by the submitters: PubMed 31206626 (cited by Labcorp Genetics (formerly Invitae), Labcorp); PubMed 21876083 (cited by Labcorp Genetics (formerly Invitae), Labcorp); PubMed 24713400 (cited by Labcorp Genetics (formerly Invitae), Labcorp).